The following is an entry in ClinVar:

ClinVar aggregate classification (germline): Likely benign. Review status: criteria provided, multiple submitters, no conflicts (2 of 4 stars). 5 submissions from 5 submitters: Likely benign (5). Last evaluated 2025-12-24.

Conditions:
Severe early-onset pulmonary alveolar proteinosis due to MARS deficiency. Also called: Interstitial lung and liver disease; PULMONARY ALVEOLAR PROTEINOSIS, REUNION ISLAND. Identifiers: Orphanet 440427, MedGen C4225400, MONDO:0014206, OMIM 615486.
Charcot-Marie-Tooth disease axonal type 2U. Also called: CHARCOT-MARIE-TOOTH NEUROPATHY, TYPE 2U; CHARCOT-MARIE-TOOTH DISEASE, AXONAL, AUTOSOMAL DOMINANT, TYPE 2U. Identifiers: Orphanet 397735, MedGen C4084821, MONDO:0014566, OMIM 616280.
Charcot-Marie-Tooth disease. Also called: Charcot-Marie-Tooth Neuropathy; Charcot-Marie-Tooth Hereditary Neuropathy. Identifiers: Orphanet 166, MedGen C0007959, MONDO:0015626.

Allele frequency attached by ClinVar (database versions not stated): TOPMed 0.00020; ESP Exome Variant Server 0.00023.
gnomAD v4.1: 354 of 1,608,654 alleles (0.022%); highest among the groups gnomAD compares: Non-Finnish European, 0.027%; 1 homozygote.

Submissions (5):

Women's Health and Genetics/Laboratory Corporation of America, LabCorp
Classification: Likely benign. Last evaluated: 2025-12-24. Review status: criteria provided, single submitter. Criteria: LabCorp Variant Classification Summary - May 2015. Collection method: clinical testing. Allele origin: germline.
Comment: Variant summary: MARS1 c.887+17G>A alters a nucleotide located at a position not widely known to affect splicing. Consensus agreement among computation tools predict no significant impact on normal splicing. However, these predictions have yet to be confirmed by functional studies. The variant allele was found at a frequency of 8.5e-05 in 282762 control chromosomes. This frequency is not significantly higher than estimated for disease-causing variants in MARS1, allowing no conclusion about variant significance. To our knowledge, no occurrence of c.887+17G>A in individuals affected with MARS1-related conditions and no experimental evidence demonstrating its impact on protein function have been reported. ClinVar contains an entry for this variant (Variation ID: 392138). Based on the evidence outlined above, the variant was classified as likely benign.

Labcorp Genetics (formerly Invitae), Labcorp
Classification: Likely benign for Charcot-Marie-Tooth disease axonal type 2U; Severe early-onset pulmonary alveolar proteinosis due to MARS deficiency. Last evaluated: 2025-12-03. Review status: criteria provided, single submitter. Criteria: Invitae Variant Classification Sherloc (09022015). Collection method: clinical testing. Allele origin: germline.

Blueprint Genetics
Classification: Likely benign. Last evaluated: 2024-09-10. Review status: criteria provided, single submitter. Criteria: ACMG Guidelines, 2015. Collection method: clinical testing. Allele origin: germline.

GeneDx
Classification: Likely benign. Last evaluated: 2016-12-23. Review status: criteria provided, single submitter. Criteria: GeneDx Variant Classification (06012015). Collection method: clinical testing. Allele origin: germline. Affected: yes.
Comment: This variant is considered likely benign or benign based on one or more of the following criteria: it is a conservative change, it occurs at a poorly conserved position in the protein, it is predicted to be benign by multiple in silico algorithms, and/or has population frequency not consistent with disease.

Molecular Genetics Laboratory, London Health Sciences Centre
Classification: Likely benign for Charcot-Marie-Tooth disease. Review status: criteria provided, single submitter. Criteria: ACMG Guidelines, 2015. Collection method: clinical testing. Allele origin: germline. Affected: yes.

NM_004990.4(MARS1):c.887+17G>A

Gene: MARS1 (methionyl-tRNA synthetase 1; plus strand). Cytogenetic location: 12q13.3.
Variant type: single nucleotide variant.
Coding change: c.887+17G>A on transcript NM_004990.4 (MANE Select); 17 bases into the intron after coding-DNA position 887, G replaced by A.
Molecular consequence: intron variant.
Genome position (GRCh38, 1-based): chr12:57,498,290, G>A. VCF-style: chr12-57498290-G-A. GRCh37 (hg19) VCF-style: chr12-57892073-G-A.
Identifiers: ClinVar variation 392138 (VCV000392138.11), dbSNP rs201259473, ClinGen allele CA6650328.